The following is an entry in ClinVar:

ClinVar aggregate classification (germline): Conflicting classifications of pathogenicity. Review status: criteria provided, conflicting classifications (1 of 4 stars). 3 submissions from 3 submitters: Likely pathogenic (2); Uncertain significance (1). Last evaluated 2026-04-01.

Conditions:
CFI-related disorder. Also called: CFI-related condition; CFI-related disorders. Identifiers: MedGen CN239325.

gnomAD v4.1: 47 of 1,612,250 alleles (0.0029%); highest among the groups gnomAD compares: Non-Finnish European, 0.0031%; 1 homozygote.

Submissions (3):

GeneDx
Classification: Likely pathogenic. Last evaluated: 2026-04-01. Review status: criteria provided, single submitter. Criteria: GeneDx Variant Classification Process June 2021. Collection method: clinical testing. Allele origin: germline.
Comment: Published functional studies demonstrate a damaging effect: significantly reduced F1 protein abundance (PMID: 32510551); RNA studies demonstrate a damaging effect: out-of-frame skipping of exon 9 in a minor expressed transcript (PMID: 39584280); In silico analysis supports that this missense variant has a deleterious effect on protein structure/function; In silico analysis supports a deleterious effect on splicing; This variant is associated with the following publications: (PMID: 35069568, 39584280, 37744338, 32510551, 33609329)

Genomenon, Inc
Classification: Likely pathogenic for CFI-related disorder. Last evaluated: 2025-09-26. Review status: criteria provided, single submitter. Criteria: Genomenon Sequence Variant Interpretation Standards - Updated. Collection method: curation. Allele origin: germline. Affected: yes.
Comment: CFI p.Gly328Arg (c.982G>A) is a missense variant that changes the amino acid at residue 328 from Glycine to Arginine. This variant has been observed in at least one proband affected with a CFI-related disorder (PMID:37744338;33609329). At least one functional study has demonstrated a substantial alteration in protein function relative to the wild-type (PMID:35069568;32510551). It is absent or not present at a significant frequency in gnomAD. In silico models agree that this variant is possibly or probably damaging. In conclusion, we classify CFI p.Gly328Arg (c.982G>A) as a likely pathogenic variant.

Blueprint Genetics
Classification: Uncertain significance. Last evaluated: 2022-10-11. Review status: criteria provided, single submitter. Criteria: ACMG Guidelines, 2015. Collection method: clinical testing. Allele origin: germline.

Literature cited by the submitters: PubMed 37744338 (cited by Genomenon, Inc); 33609329 (cited by Genomenon, Inc); 35069568 (cited by Genomenon, Inc); 32510551 (cited by Genomenon, Inc).

NM_000204.5(CFI):c.982G>A (p.Gly328Arg)

Gene: CFI (complement factor I; minus strand). Cytogenetic location: 4q25.
Variant type: single nucleotide variant.
Coding change: c.982G>A on transcript NM_000204.5 (MANE Select); coding-DNA position 982, G replaced by A.
Protein change: p.Gly328Arg; replaces glycine 328 with arginine.
Molecular consequence: missense variant. On other transcripts: non-coding transcript variant (3).
Genome position (GRCh38, 1-based): chr4:109,749,561, C>T on the plus strand (G>A on the coding strand, the complement: CFI is on the minus strand). VCF-style: chr4-109749561-C-T. GRCh37 (hg19) VCF-style: chr4-110670717-C-T.
Other names: c.1006G>A, p.Gly336Arg (NM_001318057.2, NM_001375278.1, NM_001440988.1); c.961G>A, p.Gly321Arg (NM_001331035.2, NM_001375280.1, NM_001375282.1 and 1 more transcripts); c.982G>A, p.Gly328Arg (NM_001375279.1, NM_001375281.1, NM_001440989.1); c.925G>A, p.Gly309Arg (NM_001375283.1); c.373G>A, p.Gly125Arg (NM_001375284.1); c.1003G>A, p.Gly335Arg (NM_001440985.1, NM_001440986.1); short protein forms G125R, G309R, G321R, G328R, G335R, G336R.
Identifiers: ClinVar variation 4280485 (VCV004280485.3).